The following is an entry in ClinVar:

NM_000218.3(KCNQ1):c.1591-5C>T

Gene: KCNQ1 (potassium voltage-gated channel subfamily Q member 1; plus strand). Cytogenetic location: 11p15.5.
Variant type: single nucleotide variant.
Coding change: c.1591-5C>T on transcript NM_000218.3 (MANE Select); 5 bases into the intron before coding-DNA position 1591, C replaced by T.
Molecular consequence: intron variant.
Genome position (GRCh38, 1-based): chr11:2,775,955, C>T. VCF-style: chr11-2775955-C-T. GRCh37 (hg19) VCF-style: chr11-2797185-C-T.
Other names: c.1321-5C>T (NM_001406837.1); c.1495-5C>T (NM_001406836.1); c.1051-5C>T (NM_001406838.1); c.1210-5C>T (NM_181798.2).
Identifiers: ClinVar variation 527031 (VCV000527031.12), dbSNP rs1311166904, ClinGen allele CA597110258.
Genomic context (GRCh38, chr11:2,775,955, plus strand): 5'-TGCACTTTGAGCCACATGGCTGGGGCACAGGGAGGAGAAGTGATGCGTGTCTTTTTGTCC[C>T]GCAGCAAGCGCGGAAGCCTTACGATGTGCGGGACGTCATTGAGCAGTACTCGCAGGGCCA-3'

ClinVar aggregate classification (germline): Likely benign. Review status: criteria provided, multiple submitters, no conflicts (2 of 4 stars). 3 submissions from 3 submitters: Likely benign (3). Last evaluated 2026-01-27.

Conditions:
Long QT syndrome (LQTS). Identifiers: MedGen C0023976, MeSH D008133, MONDO:0002442. Disease mechanism: loss of function. Inheritance: Various modes of inheritance.
Cardiac arrhythmia. Also called: Cardiac rhythm disease; Arrhythmia. Identifiers: MedGen C0003811, MONDO:0007263, HP:0011675.

Allele frequency attached by ClinVar (database versions not stated): gnomAD exomes below 0.00001 and 0.00001; TOPMed 0.00001.
gnomAD v4.1: 3 of 1,554,386 alleles (0.00019%); highest among the groups gnomAD compares: South Asian, 0.0012%; no homozygotes.

Submissions (3):

Labcorp Genetics (formerly Invitae), Labcorp
Classification: Likely benign for Long QT syndrome. Last evaluated: 2026-01-27. Review status: criteria provided, single submitter. Criteria: Invitae Variant Classification Sherloc (09022015). Collection method: clinical testing. Allele origin: germline.

All of Us Research Program, National Institutes of Health
Classification: Likely benign for Long QT syndrome. Last evaluated: 2024-01-11. Review status: criteria provided, single submitter. Criteria: ACMG Guidelines, 2015. Collection method: clinical testing. Allele origin: germline. Inheritance: Autosomal dominant inheritance. Observed: 3 variant alleles, 3 heterozygotes.
Comment: This study involves interpretation of variants in research participants for the purpose of population health screening. Participant phenotype was not available at the time of variant classification. Additional details can be found in publication PMID: 35346344, PMCID: PMC8962531

Color Diagnostics, LLC DBA Color Health
Classification: Likely benign for Cardiac arrhythmia. Last evaluated: 2023-05-17. Review status: criteria provided, single submitter. Criteria: ACMG Guidelines, 2015. Collection method: clinical testing. Allele origin: germline.